The following is an entry in ClinVar:

ClinVar aggregate classification (germline): Uncertain significance. Review status: criteria provided, multiple submitters, no conflicts (2 of 4 stars). 2 submissions from 2 submitters: Uncertain significance (2). Last evaluated 2025-12-16.

Conditions:
Hereditary cancer-predisposing syndrome. Also called: Neoplastic Syndromes, Hereditary; Tumor predisposition; Hereditary neoplastic syndrome; Hereditary Cancer Syndrome. Identifiers: Orphanet 140162, MedGen C0027672, MeSH D009386, MONDO:0015356.
Rhabdoid tumor predisposition syndrome 2 (RTPS2). Identifiers: Orphanet 231108, Orphanet 69077, MedGen C2750074, MONDO:0013224, OMIM 613325.

Submissions (2):

Labcorp Genetics (formerly Invitae), Labcorp
Classification: Uncertain significance for Rhabdoid tumor predisposition syndrome 2. Last evaluated: 2025-12-16. Review status: criteria provided, single submitter. Criteria: Invitae Variant Classification Sherloc (09022015). Collection method: clinical testing. Allele origin: germline.
Comment: This sequence change replaces isoleucine, which is neutral and non-polar, with leucine, which is neutral and non-polar, at codon 808 of the SMARCA4 protein (p.Ile808Leu). This variant is not present in population databases (gnomAD no frequency). This variant has not been reported in the literature in individuals affected with SMARCA4-related conditions. ClinVar contains an entry for this variant (Variation ID: 3233091). Invitae Evidence Modeling of protein sequence and biophysical properties (such as structural, functional, and spatial information, amino acid conservation, physicochemical variation, residue mobility, and thermodynamic stability) indicates that this missense variant is expected to disrupt SMARCA4 protein function with a positive predictive value of 95%. In summary, the available evidence is currently insufficient to determine the role of this variant in disease. Therefore, it has been classified as a Variant of Uncertain Significance.

Ambry Genetics
Classification: Uncertain significance for Hereditary cancer-predisposing syndrome. Last evaluated: 2024-01-29. Review status: criteria provided, single submitter. Criteria: Ambry Variant Classification Scheme 2023. Collection method: clinical testing. Allele origin: germline.
Comment: The p.I808L variant (also known as c.2422A>C), located in coding exon 15 of the SMARCA4 gene, results from an A to C substitution at nucleotide position 2422. The isoleucine at codon 808 is replaced by leucine, an amino acid with highly similar properties. This amino acid position is highly conserved in available vertebrate species. In addition, this alteration is predicted to be deleterious by in silico analysis. Based on the available evidence, the clinical significance of this alteration remains unclear.

NM_003072.5(SMARCA4):c.2422A>C (p.Ile808Leu)

Gene: SMARCA4 (SWI/SNF related BAF chromatin remodeling complex subunit ATPase 4; plus strand). Cytogenetic location: 19p13.2.
Variant type: single nucleotide variant.
Coding change: c.2422A>C on transcript NM_003072.5 (MANE Select); coding-DNA position 2422, A replaced by C.
Protein change: p.Ile808Leu; replaces isoleucine 808 with leucine.
Molecular consequence: missense variant. On other transcripts: non-coding transcript variant (1).
Genome position (GRCh38, 1-based): chr19:11,013,096, A>C. VCF-style: chr19-11013096-A-C. GRCh37 (hg19) VCF-style: chr19-11123772-A-C.
Other names: c.2422A>C, p.Ile808Leu (NM_001128844.3, NM_001128845.2, NM_001128846.2 and 6 more transcripts); short protein forms I808L.
Identifiers: ClinVar variation 3233091 (VCV003233091.2), dbSNP rs2146281306, ClinGen allele CA404053332.